The following is an entry in ClinVar:

NM_001206927.2(DNAH8):c.9348+2T>C

Gene: DNAH8 (dynein axonemal heavy chain 8; plus strand). Cytogenetic location: 6p21.2.
Variant type: single nucleotide variant.
Coding change: c.9348+2T>C on transcript NM_001206927.2 (MANE Select); the canonical splice donor site of the intron after coding-DNA position 9348, T replaced by C.
Molecular consequence: splice donor variant.
Genome position (GRCh38, 1-based): chr6:38,906,409, T>C. VCF-style: chr6-38906409-T-C. GRCh37 (hg19) VCF-style: chr6-38874185-T-C.
Other names: c.8697+2T>C (NM_001371.4).
Identifiers: ClinVar variation 3651528 (VCV003651528.2).

ClinVar aggregate classification (germline): Likely pathogenic (1 of 4 stars; one submission).

Conditions:
Primary ciliary dyskinesia. Also called: Ciliary dyskinesia. Identifiers: Orphanet 244, MedGen C0008780, MONDO:0016575, HP:0012265.

Submission:

Labcorp Genetics (formerly Invitae), Labcorp
Classification: Likely pathogenic for Primary ciliary dyskinesia. Last evaluated: 2025-07-10. Review status: criteria provided, single submitter. Criteria: Invitae Variant Classification Sherloc (09022015). Collection method: clinical testing. Allele origin: germline.
Comment: This sequence change affects a donor splice site in intron 63 of the DNAH8 gene. It is expected to disrupt RNA splicing. Variants that disrupt the donor or acceptor splice site typically lead to a loss of protein function (PMID: 16199547), and loss-of-function variants in DNAH8 are known to be pathogenic (PMID: 24307375, 32619401, 32681648). This variant is not present in population databases (gnomAD no frequency). This variant has not been reported in the literature in individuals affected with DNAH8-related conditions. ClinVar contains an entry for this variant (Variation ID: 3651528). Algorithms developed to predict the effect of sequence changes on RNA splicing suggest that this variant may disrupt the consensus splice site. In summary, the currently available evidence indicates that the variant is pathogenic, but additional data are needed to prove that conclusively. Therefore, this variant has been classified as Likely Pathogenic.

Literature cited by the submitters: PubMed 16199547; PubMed 24307375; PubMed 32619401; PubMed 32681648.